The following is an entry in ClinVar:

ClinVar aggregate classification (germline): Uncertain significance. Review status: criteria provided, multiple submitters, no conflicts (2 of 4 stars). 2 submissions from 2 submitters: Uncertain significance (2). Last evaluated 2026-08-24.

Conditions:
SAMD9-related disorder. Also called: SAMD9-related condition.
Inborn genetic diseases. Identifiers: MedGen C0950123, MeSH D030342.

gnomAD v4.1: 1 of 1,613,656 alleles (0.000062%); no homozygotes.

Submissions (2):

PreventionGenetics, part of Exact Sciences
Classification: Uncertain significance for SAMD9-related condition. Last evaluated: 2026-08-24. Review status: criteria provided, single submitter. Criteria: ACMG Guidelines, 2015. Collection method: clinical testing. Allele origin: germline.
Comment: The SAMD9 c.3916A>G variant is predicted to result in the amino acid substitution p.Ile1306Val. To our knowledge, this variant has not been reported in the literature or in a large population database (gnomAD), indicating this variant is rare. At this time, the clinical significance of this variant is uncertain due to the absence of conclusive functional and genetic evidence.

Ambry Genetics
Classification: Uncertain significance for Inborn genetic diseases. Last evaluated: 2025-08-07. Review status: criteria provided, single submitter. Criteria: Ambry Variant Classification Scheme 2023. Collection method: clinical testing. Allele origin: germline.
Comment: The p.I1306V variant (also known as c.3916A>G), located in coding exon 1 of the SAMD9 gene, results from an A to G substitution at nucleotide position 3916. The isoleucine at codon 1306 is replaced by valine, an amino acid with highly similar properties. This amino acid position is conserved. In addition, this alteration is predicted to be tolerated by in silico analysis. Based on the available evidence, the clinical significance of this variant remains unclear.

NM_017654.4(SAMD9):c.3916A>G (p.Ile1306Val)

Gene: SAMD9 (sterile alpha motif domain containing 9; minus strand). Cytogenetic location: 7q21.2.
Variant type: single nucleotide variant.
Coding change: c.3916A>G on transcript NM_017654.4 (MANE Select); coding-DNA position 3916, A replaced by G.
Protein change: p.Ile1306Val; replaces isoleucine 1306 with valine.
Molecular consequence: missense variant.
Genome position (GRCh38, 1-based): chr7:93,102,182, T>C on the plus strand (A>G on the coding strand, the complement: SAMD9 is on the minus strand). VCF-style: chr7-93102182-T-C. GRCh37 (hg19) VCF-style: chr7-92731495-T-C.
Other names: c.3916A>G, p.Ile1306Val (NM_001193307.2); short protein forms I1306V.
Identifiers: ClinVar variation 4159131 (VCV004159131.2).